The following is an entry in ClinVar:

NM_002907.4(RECQL):c.494G>A (p.Ser165Asn)

Gene: RECQL (RecQ like helicase; minus strand). Cytogenetic location: 12p12.1.
Variant type: single nucleotide variant.
Coding change: c.494G>A on transcript NM_002907.4 (MANE Select); coding-DNA position 494, G replaced by A.
Protein change: p.Ser165Asn; replaces serine 165 with asparagine.
Molecular consequence: missense variant.
Genome position (GRCh38, 1-based): chr12:21,486,486, C>T on the plus strand (G>A on the coding strand, the complement: RECQL is on the minus strand). VCF-style: chr12-21486486-C-T. GRCh37 (hg19) VCF-style: chr12-21639420-C-T.
Other names: c.494G>A, p.Ser165Asn (NM_032941.3); short protein forms S165N.
Identifiers: ClinVar variation 1424865 (VCV001424865.9), dbSNP rs1943298633, ClinGen allele CA384129845.

ClinVar aggregate classification (germline): Uncertain significance. Review status: criteria provided, multiple submitters, no conflicts (2 of 4 stars). 2 submissions from 2 submitters: Uncertain significance (2). Last evaluated 2025-09-01.

Allele frequency attached by ClinVar (database versions not stated): gnomAD 0.00001.
gnomAD v4.1: 1 of 1,580,940 alleles (0.000063%); highest among the groups gnomAD compares: Admixed American, 0.0019%; no homozygotes.

Submissions (2):

Ambry Genetics
Classification: Uncertain significance. Last evaluated: 2025-09-01. Review status: criteria provided, single submitter. Criteria: Ambry Variant Classification Scheme 2023. Collection method: clinical testing. Allele origin: germline.

Labcorp Genetics (formerly Invitae), Labcorp
Classification: Uncertain significance. Last evaluated: 2022-10-24. Review status: criteria provided, single submitter. Criteria: Invitae Variant Classification Sherloc (09022015). Collection method: clinical testing. Allele origin: germline.
Comment: This sequence change replaces serine, which is neutral and polar, with asparagine, which is neutral and polar, at codon 165 of the RECQL protein (p.Ser165Asn). This variant is not present in population databases (gnomAD no frequency). This variant has not been reported in the literature in individuals affected with RECQL-related conditions. ClinVar contains an entry for this variant (Variation ID: 1424865). Advanced modeling of protein sequence and biophysical properties (such as structural, functional, and spatial information, amino acid conservation, physicochemical variation, residue mobility, and thermodynamic stability) has been performed at Invitae for this missense variant, however the output from this modeling did not meet the statistical confidence thresholds required to predict the impact of this variant on RECQL protein function. In summary, the available evidence is currently insufficient to determine the role of this variant in disease. Therefore, it has been classified as a Variant of Uncertain Significance.